The following is an entry in ClinVar:

NM_000043.6(FAS):c.257AAG[1] (p.Glu87del)

Gene: FAS (Fas cell surface death receptor; plus strand). Cytogenetic location: 10q23.31.
Variant type: Microsatellite.
Coding change: c.257AAG[1] on transcript NM_000043.6 (MANE Select); one copy of the 3-base unit AAG starting at c.257; the reference has two copies in a row; one copy, 3 bases deleted.
Protein change: p.Glu87del; deletes glutamic acid 87.
Molecular consequence: non-coding transcript variant (on NR_028033.4).
Genome position (GRCh38, 1-based): chr10:89,007,763-89,007,765, AAG deleted; deleting any 3 consecutive bases within chr10:89,007,760-89,007,765 gives the same sequence; the position shown is the placement nearest the transcript's 3' end. VCF-style (leftmost placement, unchanged base first): chr10-89007759-CAAG-C. GRCh37 (hg19) VCF-style: chr10-90767516-CAAG-C.
Other names: c.257AAG[1], p.Glu87del (NM_001320619.2, NM_152871.4, NM_152872.4); c.302AAG[1], p.Glu102del (NM_001410956.1); short protein forms E102del, E87del.
Identifiers: ClinVar variation 3725035 (VCV003725035.2).
Genomic context (GRCh38, chr10:89,007,759, plus strand): 5'-GGTGAAAGGAAAGCTAGGGACTGCACAGTCAATGGGGATGAACCAGACTGCGTGCCCTGC[CAAG>C]AAGGGAAGGAGTACACAGACAAAGCCCATTTTTCTTCCAAATGCAGAAGATGTAGATTGT-3'

ClinVar aggregate classification (germline): Uncertain significance (1 of 4 stars; one submission).

Conditions:
Autoimmune lymphoproliferative syndrome type 1. Also called: AUTOIMMUNE LYMPHOPROLIFERATIVE SYNDROME, TYPE I, AUTOSOMAL DOMINANT. Identifiers: Orphanet 3261, MedGen C2717884, MONDO:0011158, OMIM 601859.

Submission:

Labcorp Genetics (formerly Invitae), Labcorp
Classification: Uncertain significance for Autoimmune lymphoproliferative syndrome. Last evaluated: 2024-11-14. Review status: criteria provided, single submitter. Criteria: Invitae Variant Classification Sherloc (09022015). Collection method: clinical testing. Allele origin: germline.
Comment: This variant, c.260_262del, results in the deletion of 1 amino acid(s) of the FAS protein (p.Glu87del), but otherwise preserves the integrity of the reading frame. This variant is not present in population databases (gnomAD no frequency). This variant has not been reported in the literature in individuals affected with FAS-related conditions. Experimental studies and prediction algorithms are not available or were not evaluated, and the functional significance of this variant is currently unknown. In summary, the available evidence is currently insufficient to determine the role of this variant in disease. Therefore, it has been classified as a Variant of Uncertain Significance.